The following is an entry in ClinVar:

ClinVar aggregate classification (germline): Benign. Review status: criteria provided, single submitter (1 of 4 stars). 2 submissions from 2 submitters: Benign (1). 1 of the submissions does not count toward it. Last evaluated 2025-02-07.

Conditions:
MERRF syndrome (MERRF). Also called: Myoclonus with epilepsy with ragged red fibers; MYOCLONIC EPILEPSY ASSOCIATED WITH RAGGED-RED FIBERS; Myoencephalopathy ragged-red fiber disease. Identifiers: Orphanet 551, MedGen C0162672, MONDO:0010790, OMIM 545000.
Mitochondrial inheritance. Identifiers: MedGen C0887941, HP:0001427.

Submissions (2):

Mendelics
Classification: Benign for MERRF syndrome. Last evaluated: 2025-02-07. Review status: criteria provided, single submitter. Criteria: ACMG Guidelines, 2015. Collection method: clinical testing. Allele origin: unknown.
Comment: This variant is considered likely benign or benign based on one or more of the following: it is predicted to be benign by multiple in silico algorithms, and/or has population frequency not consistent with disease, and/or has normal protein function, and/or has lack of segregation with disease, and/or has been detected in co-occurrence with known pathogenic variant, and/or has lack of disease association in case-control studies, and/or is located in a region inconsistent with a known cause of pathogenicity. GnomAD 4.1.0 frequency 0.02523 homoplsmic/2 heteroplasmic

Department of Pediatrics, Division of Medical Genetics, Faculty of Medicine Ramathibodi Hospital, Mahidol University
Classification: Uncertain significance for Mitochondrial inheritance. Review status: no assertion criteria provided. Collection method: research. Allele origin: maternal. Inheritance: Mitochondrial inheritance. Affected: yes. Not counted in ClinVar's aggregate classification.

NC_012920.1(MT-CYB):m.16230A>G

Gene: MT-CYB (mitochondrially encoded cytochrome b; plus strand).
Variant type: single nucleotide variant.
Genome position: chrM-16230-A-G.
Identifiers: ClinVar variation 1525975 (VCV001525975.2), dbSNP rs2853514, ClinGen allele CA337100791.
Genomic context (GRCh38, chrMT:16,230, plus strand): 5'-AATCCACATCAAAACCCCCTCCCCATGCTTACAAGCAAGTACAGCAATCAACCCTCAACT[A>G]TCACACATCAACTGCAACTCCAAAGCCACCCCTCACCCACTAGGATACCAACAAACCTAC-3'